The following is an entry in ClinVar:

NM_003072.5(SMARCA4):c.2186A>T (p.Gln729Leu)

Gene: SMARCA4 (SWI/SNF related BAF chromatin remodeling complex subunit ATPase 4; plus strand). Cytogenetic location: 19p13.2.
Variant type: single nucleotide variant.
Coding change: c.2186A>T on transcript NM_003072.5 (MANE Select); coding-DNA position 2186, A replaced by T.
Protein change: p.Gln729Leu; replaces glutamine 729 with leucine.
Molecular consequence: missense variant. On other transcripts: non-coding transcript variant (1).
Genome position (GRCh38, 1-based): chr19:11,010,443, A>T. VCF-style: chr19-11010443-A-T. GRCh37 (hg19) VCF-style: chr19-11121119-A-T.
Other names: c.2186A>T, p.Gln729Leu (NM_001128844.3, NM_001128845.2, NM_001128846.2 and 6 more transcripts); short protein forms Q729L.
Identifiers: ClinVar variation 4864790 (VCV004864790.1).
Genomic context (GRCh38, chr19:11,010,443, plus strand): 5'-ATGCCAAGCAAGATGTCGATGATGAATATGGCGTGTCCCAGGCCCTTGCACGTGGCCTGC[A>T]GTCCTACTATGCCGTGGCCCATGCTGTCACTGAGAGAGTGGACAAGCAGTCAGCGCTTAT-3'
Protein context (NP_003063.2, residues 719-739): GVSQALARGL[Gln729Leu]SYYAVAHAVT

ClinVar aggregate classification (germline): Uncertain significance (1 of 4 stars; one submission).

Conditions:
Hereditary cancer-predisposing syndrome. Also called: Neoplastic Syndromes, Hereditary; Tumor predisposition; Hereditary Cancer Syndrome; Hereditary neoplastic syndrome. Identifiers: Orphanet 140162, MedGen C0027672, MeSH D009386, MONDO:0015356.

Submission:

Ambry Genetics
Classification: Uncertain significance for Hereditary cancer-predisposing syndrome. Last evaluated: 2026-05-24. Review status: criteria provided, single submitter. Criteria: Ambry Variant Classification Scheme 2023. Collection method: clinical testing. Allele origin: germline.
Comment: The p.Q729L variant (also known as c.2186A>T), located in coding exon 14 of the SMARCA4 gene, results from an A to T substitution at nucleotide position 2186. The glutamine at codon 729 is replaced by leucine, an amino acid with dissimilar properties. This amino acid position is conserved. In addition, the in silico prediction for this alteration is inconclusive. Based on the available evidence, the clinical significance of this variant remains unclear.